The following is an entry in ClinVar:

ClinVar aggregate classification (germline): Uncertain significance (1 of 4 stars; one submission).

Conditions:
SEMA3A-related disorder. Also called: SEMA3A-related condition.

Submission:

PreventionGenetics, part of Exact Sciences
Classification: Uncertain significance for SEMA3A-related condition. Last evaluated: 2025-12-01. Review status: criteria provided, single submitter. Criteria: ACMG Guidelines, 2015. Collection method: clinical testing. Allele origin: germline.
Comment: The SEMA3A c.1820A>G variant is predicted to result in the amino acid substitution p.Tyr607Cys. To our knowledge, this variant has not been reported in the literature or in a large population database (gnomAD), indicating this variant is rare. At this time, the clinical significance of this variant is uncertain due to the absence of conclusive functional and genetic evidence.

NM_006080.3(SEMA3A):c.1820A>G (p.Tyr607Cys)

Gene: SEMA3A (semaphorin 3A; minus strand). Cytogenetic location: 7q21.11.
Variant type: single nucleotide variant.
Coding change: c.1820A>G on transcript NM_006080.3 (MANE Select); coding-DNA position 1820, A replaced by G.
Protein change: p.Tyr607Cys; replaces tyrosine 607 with cysteine.
Molecular consequence: missense variant.
Genome position (GRCh38, 1-based): chr7:83,963,245, T>C on the plus strand (A>G on the coding strand, the complement: SEMA3A is on the minus strand). VCF-style: chr7-83963245-T-C. GRCh37 (hg19) VCF-style: chr7-83592561-T-C.
Other names: short protein forms Y607C.
Identifiers: ClinVar variation 4982495 (VCV004982495.1).